The following is an entry in ClinVar:

NM_000518.5(HBB):c.316-145G>A

Genes: HBB (hemoglobin subunit beta; minus strand), LOC107133510 (origin of replication at HBB; plus strand), LOC110006319 (beta-globin gene 3' regulatory region; plus strand). Cytogenetic location: 11p15.4.
Variant type: single nucleotide variant.
Coding change: c.316-145G>A on transcript NM_000518.5 (MANE Select); 145 bases into the intron before coding-DNA position 316, G replaced by A.
Molecular consequence: intron variant.
Genome position (GRCh38, 1-based): chr11:5,225,871, C>T on the plus strand (G>A on the coding strand, the complement: HBB is on the minus strand). VCF-style: chr11-5225871-C-T. GRCh37 (hg19) VCF-style: chr11-5247101-C-T.
Identifiers: ClinVar variation 632848 (VCV000632848.10), dbSNP rs1005042281, ClinGen allele CA913190230.

ClinVar aggregate classification (germline): Likely benign. Review status: criteria provided, multiple submitters, no conflicts (2 of 4 stars). 2 submissions from 2 submitters: Likely benign (2). Last evaluated 2024-06-25.

Allele frequency attached by ClinVar (database versions not stated): gnomAD 0.00001.
gnomAD v4.1: 5 of 758,212 alleles (0.00066%); highest among the groups gnomAD compares: Middle Eastern, 0.026%; no homozygotes.

Submissions (2):

Women's Health and Genetics/Laboratory Corporation of America, LabCorp
Classification: Likely benign. Last evaluated: 2024-06-25. Review status: criteria provided, single submitter. Criteria: LabCorp Variant Classification Summary - May 2015. Collection method: clinical testing. Allele origin: germline.
Comment: Variant summary: HBB c.316-145G>A (also referred to as IVS-II-706 (G>A)) is located at a position not widely known to affect splicing. Several computational tools predict a significant impact on normal splicing: four predict the variant abolishes a cryptic 5' donor site. However, these predictions have yet to be confirmed by functional studies. An adjacent variant, c.316-146T>G, is a known deleterious variant for Beta-Thalassemia, however this variant reportedly strengthens the neighboring cryptic 5' donor site. The variant allele was found at a frequency of 5.3e-06 in 753418 control chromosomes (gnomAD v4.1 dataset). The available data on variant occurrences in the general population are insufficient to allow any conclusion about variant significance. The variant, c.316-145G>A, has been reported in the literature in homozygosity in a healthy individual, and in healthy family member(s) who also carried the pathogenic HBB variant c.135delC (p.Phe46fsX16) in trans (Akar_2015 [NO-PMID]). The lack of segregation with the disease in this family provides strong supportive evidence for a benign role. To our knowledge, no experimental evidence demonstrating an impact on protein function has been reported. ClinVar contains an entry for this variant (Variation ID: 632848). Based on the evidence outlined above, the variant was classified as likely benign.

Labcorp Genetics (formerly Invitae), Labcorp
Classification: Likely benign. Last evaluated: 2023-10-25. Review status: criteria provided, single submitter. Criteria: Invitae Variant Classification Sherloc (09022015). Collection method: clinical testing. Allele origin: germline.